The following is an entry in ClinVar:

NM_007327.4(GRIN1):c.2575C>T (p.Arg859Trp)

Gene: GRIN1 (glutamate ionotropic receptor NMDA type subunit 1; plus strand). Cytogenetic location: 9q34.3.
Variant type: single nucleotide variant.
Coding change: c.2575C>T on transcript NM_007327.4 (MANE Select); coding-DNA position 2575, C replaced by T.
Protein change: p.Arg859Trp; replaces arginine 859 with tryptophan.
Molecular consequence: missense variant.
Genome position (GRCh38, 1-based): chr9:137,163,890, C>T. VCF-style: chr9-137163890-C-T. GRCh37 (hg19) VCF-style: chr9-140058342-C-T.
Other names: c.2575C>T, p.Arg859Trp (NM_000832.7, NM_021569.4); c.2638C>T, p.Arg880Trp (NM_001185090.2, NM_001185091.2); short protein forms R859W, R880W.
Identifiers: ClinVar variation 1717673 (VCV001717673.6), dbSNP rs2131303500, ClinGen allele CA375726944.
Genomic context (GRCh38, chr9:137,163,890, plus strand): 5'-CGGCACAAGGATGCTCGCCGGAAGCAGATGCAGCTGGCCTTTGCCGCCGTTAACGTGTGG[C>T]GGAAGAACCTGCAGGTAGGGCAGGCCACCCTCCGAGGCCTGGTGCCCAGGGCCCGGCCTG-3'
Protein context (NP_015566.1, residues 849-869): QLAFAAVNVW[Arg859Trp]KNLQDRKSGR

ClinVar aggregate classification (germline): Uncertain significance (1 of 4 stars; one submission).

Conditions:
Neurodevelopmental disorder with or without hyperkinetic movements and seizures, autosomal dominant. Also called: Intellectual disability, autosomal dominant 8. Identifiers: MedGen C3280282, MONDO:0013655, OMIM 614254.

Submission:

Labcorp Genetics (formerly Invitae), Labcorp
Classification: Uncertain significance for Neurodevelopmental disorder with or without hyperkinetic movements and seizures, autosomal dominant. Last evaluated: 2022-08-22. Review status: criteria provided, single submitter. Criteria: Invitae Variant Classification Sherloc (09022015). Collection method: clinical testing. Allele origin: germline.
Comment: In summary, the available evidence is currently insufficient to determine the role of this variant in disease. Therefore, it has been classified as a Variant of Uncertain Significance. Advanced modeling of protein sequence and biophysical properties (such as structural, functional, and spatial information, amino acid conservation, physicochemical variation, residue mobility, and thermodynamic stability) performed at Invitae indicates that this missense variant is expected to disrupt GRIN1 protein function. This variant has not been reported in the literature in individuals affected with GRIN1-related conditions. This variant is not present in population databases (gnomAD no frequency). This sequence change replaces arginine, which is basic and polar, with tryptophan, which is neutral and slightly polar, at codon 859 of the GRIN1 protein (p.Arg859Trp).